The following is an entry in ClinVar:

ClinVar aggregate classification (germline): other (0 of 4 stars; one submission).

Conditions:
Familial colorectal cancer. Identifiers: MedGen CN280943, MONDO:0023113. Disease mechanism: loss of function.

Allele frequency attached by ClinVar (database versions not stated): gnomAD 0.38093 and 0.39453; TOPMed 0.40258; 1000 Genomes Project 30x 0.43723; 1000 Genomes Project 0.44189.
gnomAD v4.1: 60,219 of 152,140 alleles (40%); highest among the groups gnomAD compares: East Asian, 71%; 14,429 homozygotes.

Submission:

Systems Biology Platform Zhejiang California International NanoSystems Institute
Classification: other for Familial colorectal cancer. Review status: no assertion criteria provided. Collection method: not provided. Allele origin: unknown.
ClinVar note: Converted during submission from cancer to other.

NM_000038.6(APC):c.834+6943A>G

Gene: APC (APC regulator of WNT signaling pathway; plus strand). Cytogenetic location: 5q22.2.
Variant type: single nucleotide variant.
Coding change: c.834+6943A>G on transcript NM_000038.6 (MANE Select); 6943 bases into the intron after coding-DNA position 834, A replaced by G.
Molecular consequence: intron variant.
Genome position (GRCh38, 1-based): chr5:112,808,326, A>G. VCF-style: chr5-112808326-A-G. GRCh37 (hg19) VCF-style: chr5-112144023-A-G.
Other names: c.834+6943A>G (NM_001354895.2, NM_001127510.3, NM_001354896.2 and 1 more transcripts); c.864+6943A>G (NM_001354897.2, NM_001354902.2); c.780+6943A>G (NM_001127511.3); c.759+6943A>G (NM_001354898.2, NM_001354904.2); c.-201-1800A>G (NM_001354906.2); c.750+6943A>G (NM_001354899.2); c.657+6943A>G (NM_001354900.2, NM_001354901.2, NM_001354905.2).
Identifiers: ClinVar variation 83070 (VCV000083070.2), dbSNP rs2431241, ClinGen allele CA015039.